The following is an entry in ClinVar:

NM_001370.2(DNAH6):c.11539A>G (p.Thr3847Ala)

Gene: DNAH6 (dynein axonemal heavy chain 6; plus strand). Cytogenetic location: 2p11.2.
Variant type: single nucleotide variant.
Coding change: c.11539A>G on transcript NM_001370.2 (MANE Select); coding-DNA position 11539, A replaced by G.
Protein change: p.Thr3847Ala; replaces threonine 3847 with alanine.
Molecular consequence: missense variant.
Genome position (GRCh38, 1-based): chr2:84,805,722, A>G. VCF-style: chr2-84805722-A-G. GRCh37 (hg19) VCF-style: chr2-85032846-A-G.
Other names: short protein forms T3847A.
Identifiers: ClinVar variation 3342504 (VCV003342504.1).

ClinVar aggregate classification (germline): Uncertain significance (1 of 4 stars; one submission).

gnomAD v4.1: 23 of 1,551,618 alleles (0.0015%); highest among the groups gnomAD compares: South Asian, 0.024%; no homozygotes.

Submission:

GeneDx
Classification: Uncertain significance. Last evaluated: 2022-04-29. Review status: criteria provided, single submitter. Criteria: GeneDx Variant Classification Process June 2021. Collection method: clinical testing. Allele origin: germline. Affected: yes.
Comment: In silico analysis supports that this missense variant does not alter protein structure/function; Has not been previously published as pathogenic or benign to our knowledge; Variants in candidate genes are classified as variants of uncertain significance in accordance with ACMG guidelines (Richards et al., 2015)